The following is an entry in ClinVar:

ClinVar aggregate classification (germline): Uncertain significance (1 of 4 stars; one submission).

Conditions:
Ataxia-telangiectasia syndrome (AT). Also called: LOUIS-BAR SYNDROME; Cerebello-oculocutaneous telangiectasia; Immunodeficiency with ataxia telangiectasia; Ataxia-telangiectasia, complementation group D; AT, COMPLEMENTATION GROUP C; Ataxia-telangiectasia, complementation group E. Identifiers: Orphanet 100, MedGen C0004135, MONDO:0008840, OMIM 208900.

Submission:

Labcorp Genetics (formerly Invitae), Labcorp
Classification: Uncertain significance for Ataxia-telangiectasia syndrome. Last evaluated: 2021-08-31. Review status: criteria provided, single submitter. Criteria: Invitae Variant Classification Sherloc (09022015). Collection method: clinical testing. Allele origin: germline.
Comment: This sequence change replaces leucine with phenylalanine at codon 2416 of the ATM protein (p.Leu2416Phe). The leucine residue is highly conserved and there is a small physicochemical difference between leucine and phenylalanine. This variant is not present in population databases (ExAC no frequency). This variant has not been reported in the literature in individuals affected with ATM-related conditions. Algorithms developed to predict the effect of missense changes on protein structure and function are either unavailable or do not agree on the potential impact of this missense change (SIFT: "Deleterious"; PolyPhen-2: "Probably Damaging"; Align-GVGD: "Class C0"). In summary, the available evidence is currently insufficient to determine the role of this variant in disease. Therefore, it has been classified as a Variant of Uncertain Significance.

NM_000051.4(ATM):c.7246C>T (p.Leu2416Phe)

Genes: ATM (ATM serine/threonine kinase; plus strand), C11orf65 (chromosome 11 open reading frame 65; minus strand). Cytogenetic location: 11q22.3.
Variant type: single nucleotide variant.
Coding change: c.7246C>T on transcript NM_000051.4 (MANE Select); coding-DNA position 7246, C replaced by T.
Protein change: p.Leu2416Phe; replaces leucine 2416 with phenylalanine.
Molecular consequence: missense variant. On other transcripts: intron variant (2).
Genome position (GRCh38, 1-based): chr11:108,329,177, C>T. VCF-style: chr11-108329177-C-T. GRCh37 (hg19) VCF-style: chr11-108199904-C-T.
Other names: c.7246C>T, p.Leu2416Phe (NM_001351834.2); c.641-20106G>A (NM_001330368.2); c.*38+6043G>A (NM_001351110.2); short protein forms L2416F.
Identifiers: ClinVar variation 407582 (VCV000407582.8), dbSNP rs1060501615, ClinGen allele CA16613121.